The following is an entry in ClinVar:

NM_001374736.1(DST):c.14006-18G>A

Gene: DST (dystonin; minus strand). Cytogenetic location: 6p12.1.
Variant type: single nucleotide variant.
Coding change: c.14006-18G>A on transcript NM_001374736.1 (MANE Select); 18 bases into the intron before coding-DNA position 14006, G replaced by A.
Molecular consequence: intron variant.
Genome position (GRCh38, 1-based): chr6:56,562,218, C>T on the plus strand (G>A on the coding strand, the complement: DST is on the minus strand). VCF-style: chr6-56562218-C-T. GRCh37 (hg19) VCF-style: chr6-56427016-C-T.
Other names: c.7649-18G>A (NM_001144769.5); c.14006-18G>A (NM_001374722.1); c.14033-18G>A (NM_001374734.1); c.7235-18G>A (NM_001144770.2); c.7115-18G>A (NM_001374730.1, NM_001386100.1, NM_183380.4); c.13373-18G>A (NM_001374729.1); c.6137-18G>A (NM_015548.5).
Identifiers: ClinVar variation 2164796 (VCV002164796.1), dbSNP rs749680895, ClinGen allele CA3868119.

ClinVar aggregate classification (germline): Uncertain significance (1 of 4 stars; one submission).

Conditions:
Epidermolysis bullosa simplex 3, localized or generalized intermediate, with BP230 deficiency (EBS3). Also called: Epidermolysis bullosa simplex, autosomal recessive 2; Epidermolysis bullosa simplex due to BP230 deficiency. Identifiers: Orphanet 412181, MedGen C3809470, MONDO:0014180, OMIM 615425.
Hereditary sensory and autonomic neuropathy type 6. Also called: Neuropathy, hereditary sensory and autonomic, type VI; HSAN VI. Identifiers: Orphanet 314381, MedGen C3539003, MONDO:0013839, OMIM 614653.

Allele frequency attached by ClinVar (database versions not stated): gnomAD 0.00003; TOPMed 0.00003; ExAC 0.00007.
gnomAD v4.1: 17 of 1,497,690 alleles (0.0011%); highest among the groups gnomAD compares: East Asian, 0.0025%; no homozygotes.

Submission:

Labcorp Genetics (formerly Invitae), Labcorp
Classification: Uncertain significance for Epidermolysis bullosa simplex 3, localized or generalized intermediate, with BP230 deficiency; Hereditary sensory and autonomic neuropathy type 6. Last evaluated: 2022-07-17. Review status: criteria provided, single submitter. Criteria: Invitae Variant Classification Sherloc (09022015). Collection method: clinical testing. Allele origin: germline.
Comment: The DST gene has multiple clinically relevant transcripts. This variant occurs in alternate transcript NM_015548.4, and corresponds to NM_001723.5:c.*53299G>A in the primary transcript. This sequence change falls in intron 36 of the DST gene. It does not directly change the encoded amino acid sequence of the DST protein. This variant is present in population databases (rs749680895, gnomAD 0.007%). This variant has not been reported in the literature in individuals affected with DST-related conditions. Experimental studies and prediction algorithms are not available or were not evaluated, and the effect of this variant on mRNA splicing is currently unknown. In summary, the available evidence is currently insufficient to determine the role of this variant in disease. Therefore, it has been classified as a Variant of Uncertain Significance.